The following is an entry in ClinVar:

ClinVar aggregate classification (germline): Likely benign (1 of 4 stars; one submission).

Conditions:
GDF6-related disorder. Also called: GDF6-related condition.

Submission:

PreventionGenetics, part of Exact Sciences
Classification: Likely benign for GDF6-related condition. Last evaluated: 2026-07-23. Review status: criteria provided, single submitter. Criteria: ACMG Guidelines, 2015. Collection method: clinical testing. Allele origin: germline.
Comment: This variant is classified as likely benign based on ACMG/AMP sequence variant interpretation guidelines (Richards et al. 2015 PMID: 25741868, with internal and published modifications).

NM_001001557.4(GDF6):c.496C>T (p.Leu166=)

Gene: GDF6 (growth differentiation factor 6; minus strand). Cytogenetic location: 8q22.1.
Variant type: single nucleotide variant.
Coding change: c.496C>T on transcript NM_001001557.4 (MANE Select); coding-DNA position 496, C replaced by T.
Protein change: p.Leu166=; no amino-acid change (leucine 166 retained).
Molecular consequence: synonymous variant.
Genome position (GRCh38, 1-based): chr8:96,145,435, G>A on the plus strand (C>T on the coding strand, the complement: GDF6 is on the minus strand). VCF-style: chr8-96145435-G-A. GRCh37 (hg19) VCF-style: chr8-97157663-G-A.
Identifiers: ClinVar variation 4988056 (VCV004988056.1).